The following is an entry in ClinVar:

NM_000069.3(CACNA1S):c.707C>G (p.Thr236Arg)

Gene: CACNA1S (calcium voltage-gated channel subunit alpha1 S; minus strand). Cytogenetic location: 1q32.1.
Variant type: single nucleotide variant.
Coding change: c.707C>G on transcript NM_000069.3 (MANE Select); coding-DNA position 707, C replaced by G.
Protein change: p.Thr236Arg; replaces threonine 236 with arginine.
Molecular consequence: missense variant.
Genome position (GRCh38, 1-based): chr1:201,089,451, G>C on the plus strand (C>G on the coding strand, the complement: CACNA1S is on the minus strand). VCF-style: chr1-201089451-G-C. GRCh37 (hg19) VCF-style: chr1-201058579-G-C.
Other names: short protein forms T236R.
Identifiers: ClinVar variation 1700505 (VCV001700505.3), dbSNP rs767790285, ClinGen allele CA344137034.

ClinVar aggregate classification (germline): Uncertain significance. Review status: criteria provided, multiple submitters, no conflicts (2 of 4 stars). 2 submissions from 2 submitters: Uncertain significance (2). Last evaluated 2024-03-05.

Conditions:
Malignant hyperthermia, susceptibility to, 5 (MHS5). Also called: CACNA1S-Related Malignant Hyperthermia Susceptibility. Identifiers: Orphanet 423, MedGen C1866077, MONDO:0011163, OMIM 601887.

Submissions (2):

All of Us Research Program, National Institutes of Health
Classification: Uncertain significance for Malignant hyperthermia, susceptibility to, 5. Last evaluated: 2024-03-05. Review status: criteria provided, single submitter. Criteria: ACMG Guidelines, 2015. Collection method: clinical testing. Allele origin: germline. Inheritance: Autosomal dominant inheritance. Observed: 1 variant allele, 1 heterozygote.
Comment: This study involves interpretation of variants in research participants for the purpose of population health screening. Participant phenotype was not available at the time of variant classification. Additional details can be found in publication PMID: 35346344, PMCID: PMC8962531

GeneDx
Classification: Uncertain significance. Last evaluated: 2022-02-04. Review status: criteria provided, single submitter. Criteria: GeneDx Variant Classification Process June 2021. Collection method: clinical testing. Allele origin: germline. Affected: yes.
Comment: Not observed at significant frequency in large population cohorts (gnomAD); In silico analysis supports that this missense variant does not alter protein structure/function; Has not been previously published as pathogenic or benign to our knowledge